The following is an entry in ClinVar:

ClinVar aggregate classification (germline): Uncertain significance. Review status: criteria provided, multiple submitters, no conflicts (2 of 4 stars). 4 submissions from 4 submitters: Uncertain significance (3). 1 of the submissions does not count toward it. Last evaluated 2025-08-09.

Conditions:
Inborn genetic diseases. Identifiers: MedGen C0950123, MeSH D030342.
Hereditary spastic paraplegia 74. Also called: Spastic paraplegia 74, autosomal recessive. Identifiers: Orphanet 468661, MedGen C5568837, MONDO:0014644, OMIM 616451.
Multiple mitochondrial dysfunctions syndrome 3 (MMDS3). Identifiers: Orphanet 363424, MedGen C3809165, MONDO:0014132, OMIM 615330.

Allele frequency attached by ClinVar (database versions not stated): 1000 Genomes Project 30x 0.00016; ESP Exome Variant Server 0.00038; 1000 Genomes Project 0.00020; TOPMed 0.00018.
gnomAD v4.1: 491 of 1,595,602 alleles (0.031%); highest among the groups gnomAD compares: Non-Finnish European, 0.039%; no homozygotes.

Submissions (4):

Ambry Genetics
Classification: Uncertain significance for Inborn genetic diseases. Last evaluated: 2025-08-09. Review status: criteria provided, single submitter. Criteria: Ambry Variant Classification Scheme 2023. Collection method: clinical testing. Allele origin: germline.

Labcorp Genetics (formerly Invitae), Labcorp
Classification: Uncertain significance for Multiple mitochondrial dysfunctions syndrome 3; Hereditary spastic paraplegia 74. Last evaluated: 2023-11-27. Review status: criteria provided, single submitter. Criteria: Invitae Variant Classification Sherloc (09022015). Collection method: clinical testing. Allele origin: germline.
Comment: This sequence change replaces alanine, which is neutral and non-polar, with threonine, which is neutral and polar, at codon 345 of the IBA57 protein (p.Ala345Thr). This variant is present in population databases (rs150912462, gnomAD 0.03%). This variant has not been reported in the literature in individuals affected with IBA57-related conditions. ClinVar contains an entry for this variant (Variation ID: 572919). An algorithm developed to predict the effect of missense changes on protein structure and function (PolyPhen-2) suggests that this variant¬†is likely to be tolerated. In summary, the available evidence is currently insufficient to determine the role of this variant in disease. Therefore, it has been classified as a Variant of Uncertain Significance.

GeneDx
Classification: Uncertain significance. Last evaluated: 2023-04-11. Review status: criteria provided, single submitter. Criteria: GeneDx Variant Classification Process June 2021. Collection method: clinical testing. Allele origin: germline. Affected: yes.
Comment: Has not been previously published as pathogenic or benign to our knowledge; In silico analysis supports that this missense variant does not alter protein structure/function

Next Generation Genetic Polyclinic
Classification: Uncertain significance for Hereditary spastic paraplegia 74. Review status: no assertion criteria provided. Collection method: clinical testing. Allele origin: inherited. Affected: yes. Not counted in ClinVar's aggregate classification.

NM_001010867.4(IBA57):c.1033G>A (p.Ala345Thr)

Gene: IBA57 (iron-sulfur cluster assembly factor IBA57; plus strand). Cytogenetic location: 1q42.13.
Variant type: single nucleotide variant.
Coding change: c.1033G>A on transcript NM_001010867.4 (MANE Select); coding-DNA position 1033, G replaced by A.
Protein change: p.Ala345Thr; replaces alanine 345 with threonine.
Molecular consequence: missense variant.
Genome position (GRCh38, 1-based): chr1:228,175,475, G>A. VCF-style: chr1-228175475-G-A. GRCh37 (hg19) VCF-style: chr1-228363176-G-A.
Other names: c.1033G>A (NM_001010867.2); c.454G>A, p.Ala152Thr (NM_001310327.2); short protein forms A345T, A152T.
Identifiers: ClinVar variation 572919 (VCV000572919.9), dbSNP rs150912462, ClinGen allele CA1431313.